The following is an entry in ClinVar:

NM_001378183.1(PIEZO2):c.8486dup (p.Leu2829fs)

Gene: PIEZO2 (piezo type mechanosensitive ion channel component 2; minus strand). Cytogenetic location: 18p11.22.
Variant type: Duplication.
Coding change: c.8486dup on transcript NM_001378183.1 (MANE Select); coding-DNA position 8486, one base duplicated (T; older notation c.8486dupT).
Protein change: p.Leu2829fs; shifts the reading frame from leucine 2829.
Molecular consequence: frameshift variant.
Genome position (GRCh38, 1-based): chr18:10,671,639, A duplicated on the plus strand (T on the coding strand, the reverse complement: PIEZO2 is on the minus strand); the first of 7 consecutive A bases (chr18:10,671,639-10,671,645); duplicating any one gives the same sequence. VCF-style (leftmost placement, unchanged base first): chr18-10671638-T-TA. GRCh37 (hg19) VCF-style: chr18-10671635-T-TA.
Other names: c.8222dup, p.Leu2741fs (NM_001410871.1); c.8147dup, p.Leu2716fs (NM_022068.4); short protein forms L2716fs, L2741fs, L2829fs.
Identifiers: ClinVar variation 3340648 (VCV003340648.1).

ClinVar aggregate classification (germline): Likely pathogenic (1 of 4 stars; one submission).

Submission:

GeneDx
Classification: Likely pathogenic. Last evaluated: 2023-12-28. Review status: criteria provided, single submitter. Criteria: GeneDx Variant Classification Process June 2021. Collection method: clinical testing. Allele origin: germline. Affected: yes.
Comment: Frameshift variant predicted to result in abnormal protein length as the last 37 amino acids are replaced with 32 different amino acids, and other similar variants have been reported in HGMD; Not observed at significant frequency in large population cohorts (gnomAD); Has not been previously published as pathogenic or benign to our knowledge